The following is an entry in ClinVar:

NM_207361.6(FREM2):c.7520-3A>C

Gene: FREM2 (FRAS1 related extracellular matrix 2; plus strand). Cytogenetic location: 13q13.3.
Variant type: single nucleotide variant.
Coding change: c.7520-3A>C on transcript NM_207361.6 (MANE Select); 3 bases into the intron before coding-DNA position 7520, A replaced by C.
Molecular consequence: intron variant.
Genome position (GRCh38, 1-based): chr13:38,861,428, A>C. VCF-style: chr13-38861428-A-C. GRCh37 (hg19) VCF-style: chr13-39435565-A-C.
Identifiers: ClinVar variation 3060349 (VCV003060349.2), dbSNP rs2541497243, ClinGen allele CA2740097661.

ClinVar aggregate classification (germline): Likely benign (0 of 4 stars; one submission).

Conditions:
FREM2-related disorder. Also called: FREM2-related condition.

Submission:

PreventionGenetics, part of Exact Sciences
Classification: Likely benign for FREM2-related condition. Last evaluated: 2024-01-04. Review status: no assertion criteria provided. Collection method: clinical testing. Allele origin: germline.
Comment: This variant is classified as likely benign based on ACMG/AMP sequence variant interpretation guidelines (Richards et al. 2015 PMID: 25741868, with internal and published modifications).